The following is an entry in ClinVar:

NM_000540.3(RYR1):c.3315G>T (p.Arg1105Ser)

Gene: RYR1 (ryanodine receptor 1; plus strand). Cytogenetic location: 19q13.2.
Variant type: single nucleotide variant.
Coding change: c.3315G>T on transcript NM_000540.3 (MANE Select); coding-DNA position 3315, G replaced by T.
Protein change: p.Arg1105Ser; replaces arginine 1105 with serine.
Molecular consequence: missense variant.
Genome position (GRCh38, 1-based): chr19:38,467,746, G>T. VCF-style: chr19-38467746-G-T. GRCh37 (hg19) VCF-style: chr19-38958386-G-T.
Other names: c.3315G>T, p.Arg1105Ser (NM_001042723.2); short protein forms R1105S.
Identifiers: ClinVar variation 956756 (VCV000956756.3), dbSNP rs1469007491, ClinGen allele CA405637324.

ClinVar aggregate classification (germline): Uncertain significance. Review status: criteria provided, multiple submitters, no conflicts (2 of 4 stars). 2 submissions from 2 submitters: Uncertain significance (2). Last evaluated 2019-09-12.

Conditions:
RYR1-related disorder. Also called: RYR1-related disorders; RYR1-related condition. Identifiers: MedGen CN239331.

Allele frequency attached by ClinVar (database versions not stated): gnomAD exomes below 0.00001; gnomAD 0.00001; TOPMed 0.00001.
gnomAD v4.1: 3 of 1,614,096 alleles (0.00019%); highest among the groups gnomAD compares: Non-Finnish European, 0.00025%; no homozygotes.

Submissions (2):

GeneDx
Classification: Uncertain significance. Last evaluated: 2019-09-12. Review status: criteria provided, single submitter. Criteria: GeneDx Variant Classification Process June 2021. Collection method: clinical testing. Allele origin: germline. Affected: yes.
Comment: Not observed in large population cohorts (Lek et al., 2016); In silico analysis, which includes protein predictors and evolutionary conservation, supports a deleterious effect; Has not been previously published as pathogenic or benign to our knowledge

Labcorp Genetics (formerly Invitae), Labcorp
Classification: Uncertain significance for RYR1-Related Disorders. Last evaluated: 2019-07-31. Review status: criteria provided, single submitter. Criteria: Invitae Variant Classification Sherloc (09022015). Collection method: clinical testing. Allele origin: germline.
Comment: This sequence change replaces arginine with serine at codon 1105 of the RYR1 protein (p.Arg1105Ser). The arginine residue is highly conserved and there is a moderate physicochemical difference between arginine and serine. This variant is not present in population databases (ExAC no frequency). This variant has not been reported in the literature in individuals with RYR1-related conditions. Algorithms developed to predict the effect of missense changes on protein structure and function are either unavailable or do not agree on the potential impact of this missense change (SIFT: "Deleterious"; PolyPhen-2: "Probably Damaging"; Align-GVGD: "Class C0"). In summary, the available evidence is currently insufficient to determine the role of this variant in disease. Therefore, it has been classified as a Variant of Uncertain Significance.